The following is an entry in ClinVar:

NM_006031.6(PCNT):c.9173C>T (p.Ala3058Val)

Gene: PCNT (pericentrin; plus strand). Cytogenetic location: 21q22.3.
Variant type: single nucleotide variant.
Coding change: c.9173C>T on transcript NM_006031.6 (MANE Select); coding-DNA position 9173, C replaced by T.
Protein change: p.Ala3058Val; replaces alanine 3058 with valine.
Molecular consequence: missense variant.
Genome position (GRCh38, 1-based): chr21:46,438,237, C>T. VCF-style: chr21-46438237-C-T. GRCh37 (hg19) VCF-style: chr21-47858150-C-T.
Other names: c.8582C>T, p.Ala2861Val (NM_001315529.2); c.9173C>T (NM_006031.5); short protein forms A3058V, A2861V.
Identifiers: ClinVar variation 1478286 (VCV001478286.4), dbSNP rs778401682, ClinGen allele CA10081228.
Genomic context (GRCh38, chr21:46,438,237, plus strand): 5'-CAGAGCTGCAGTTCCAGTTTGTGGACGTCCTGCTGAAAGACAATGTTTCCCTCACAAAAG[C>T]GCTCAGCACGGTGACCCAGGAGAAGCTGGAGCTGAGCAGAGCCGTGTCTAAGCTTGAGAA-3'
Protein context (NP_006022.3, residues 3048-3068): LLKDNVSLTK[Ala3058Val]LSTVTQEKLE

ClinVar aggregate classification (germline): Uncertain significance. Review status: criteria provided, multiple submitters, no conflicts (2 of 4 stars). 2 submissions from 2 submitters: Uncertain significance (2). Last evaluated 2024-10-17.

Conditions:
Inborn genetic diseases. Identifiers: MedGen C0950123, MeSH D030342.

Allele frequency attached by ClinVar (database versions not stated): gnomAD exomes 0.00001; TOPMed 0.00001; ExAC 0.00002; gnomAD 0.00003 and 0.00004.
gnomAD v4.1: 18 of 1,613,942 alleles (0.0011%); highest among the groups gnomAD compares: African/African-American, 0.0013%; no homozygotes.

Submissions (2):

Ambry Genetics
Classification: Uncertain significance for Inborn genetic diseases. Last evaluated: 2024-10-17. Review status: criteria provided, single submitter. Criteria: Ambry Variant Classification Scheme 2023. Collection method: clinical testing. Allele origin: germline.

Labcorp Genetics (formerly Invitae), Labcorp
Classification: Uncertain significance. Last evaluated: 2021-12-02. Review status: criteria provided, single submitter. Criteria: Invitae Variant Classification Sherloc (09022015). Collection method: clinical testing. Allele origin: germline.
Comment: This sequence change replaces alanine, which is neutral and non-polar, with valine, which is neutral and non-polar, at codon 3058 of the PCNT protein (p.Ala3058Val). This variant is present in population databases (rs778401682, gnomAD 0.003%). This variant has not been reported in the literature in individuals affected with PCNT-related conditions. Algorithms developed to predict the effect of missense changes on protein structure and function output the following: SIFT: "Tolerated"; PolyPhen-2: "Possibly Damaging"; Align-GVGD: "Class C0". The valine amino acid residue is found in multiple mammalian species, which suggests that this missense change does not adversely affect protein function. In summary, the available evidence is currently insufficient to determine the role of this variant in disease. Therefore, it has been classified as a Variant of Uncertain Significance.